The following is an entry in ClinVar:

ClinVar aggregate classification (germline): Uncertain significance (1 of 4 stars; one submission).

Conditions:
RASopathy. Also called: rasopathies; Noonan spectrum disorder. Identifiers: Orphanet 536391, MedGen C5555857, MONDO:0021060.

Submission:

Labcorp Genetics (formerly Invitae), Labcorp
Classification: Uncertain significance for RASopathy. Last evaluated: 2023-02-22. Review status: criteria provided, single submitter. Criteria: Invitae Variant Classification Sherloc (09022015). Collection method: clinical testing. Allele origin: germline.
Comment: This variant has not been reported in the literature in individuals affected with CBL-related conditions. In summary, the available evidence is currently insufficient to determine the role of this variant in disease. Therefore, it has been classified as a Variant of Uncertain Significance. Advanced modeling of protein sequence and biophysical properties (such as structural, functional, and spatial information, amino acid conservation, physicochemical variation, residue mobility, and thermodynamic stability) has been performed at Invitae for this missense variant, however the output from this modeling did not meet the statistical confidence thresholds required to predict the impact of this variant on CBL protein function. This variant is not present in population databases (gnomAD no frequency). This sequence change replaces serine, which is neutral and polar, with asparagine, which is neutral and polar, at codon 80 of the CBL protein (p.Ser80Asn).

NM_005188.4(CBL):c.239G>A (p.Ser80Asn)

Gene: CBL (Cbl proto-oncogene; plus strand). Cytogenetic location: 11q23.3.
Variant type: single nucleotide variant.
Coding change: c.239G>A on transcript NM_005188.4 (MANE Select); coding-DNA position 239, G replaced by A.
Protein change: p.Ser80Asn; replaces serine 80 with asparagine.
Molecular consequence: missense variant.
Genome position (GRCh38, 1-based): chr11:119,232,491, G>A. VCF-style: chr11-119232491-G-A. GRCh37 (hg19) VCF-style: chr11-119103201-G-A.
Other names: short protein forms S80N.
Identifiers: ClinVar variation 2811246 (VCV002811246.3), dbSNP rs2496865747, ClinGen allele CA382894267.